The following is an entry in ClinVar:

NM_016239.4(MYO15A):c.10178dup (p.Ala3394fs)

Gene: MYO15A (myosin XVA; plus strand). Cytogenetic location: 17p11.2.
Variant type: Duplication.
Coding change: c.10178dup on transcript NM_016239.4 (MANE Select); coding-DNA position 10178, one base duplicated (A; older notation c.10178dupA).
Protein change: p.Ala3394fs; shifts the reading frame from alanine 3394.
Molecular consequence: frameshift variant.
Genome position (GRCh38, 1-based): chr17:18,171,733, A duplicated. VCF-style (leftmost placement, unchanged base first): chr17-18171732-C-CA. GRCh37 (hg19) VCF-style: chr17-18075046-C-CA.
Other names: short protein forms A3394fs.
Identifiers: ClinVar variation 3382716 (VCV003382716.2).
Genomic context (GRCh38, chr17:18,171,732, plus strand): 5'-TACCGTACAACGGCAGGCTCGACCTGGCTCAACCTGGTCAGCCAGCACCGGCAGCAGACA[C>CA]AGGCGCTCAGCCCCCACCAGGCCCGTGCCCAGTTTCTGGGTAAGAGCTGCAGGGCAGGGG-3'

ClinVar aggregate classification (germline): Likely pathogenic (1 of 4 stars; one submission).

Conditions:
Autosomal recessive nonsyndromic hearing loss 3. Also called: NEUROSENSORY NONSYNDROMIC RECESSIVE DEAFNESS 3. Identifiers: Orphanet 90636, MedGen C1838263, MONDO:0010860, OMIM 600316.

Submission:

Juno Genomics, Hangzhou Juno Genomics, Inc
Classification: Likely pathogenic for Autosomal recessive nonsyndromic hearing loss 3. Review status: criteria provided, single submitter. Criteria: ACMG Guidelines, 2015. Collection method: clinical testing. Allele origin: germline. Affected: yes.
Comment: Absent from controls (or at extremely low frequency if recessive) in Genome Aggregation Database, Exome Sequencing Project, 1000 Genomes Project, or Exome Aggregation Consortium.;Null variant in a gene where loss of function (LOF) is a known mechanism of disease.